The following is an entry in ClinVar:

ClinVar aggregate classification (germline): Uncertain significance. Review status: criteria provided, single submitter (1 of 4 stars). 2 submissions from 2 submitters: Uncertain significance (1). 1 of the submissions does not count toward it. Last evaluated 2025-10-28.

Conditions:
Pendred syndrome (PDS). Also called: DEAFNESS WITH GOITER; Pendred's syndrome; GOITER-DEAFNESS SYNDROME; HYPOTHYROIDISM, CONGENITAL, DUE TO DYSHORMONOGENESIS, 2B; THYROID DYSHORMONOGENESIS 2B; THYROID HORMONOGENESIS, GENETIC DEFECT IN, 2B. Identifiers: Orphanet 705, MedGen C0271829, MONDO:0010134, OMIM 274600.

Allele frequency attached by ClinVar (database versions not stated): TOPMed below 0.00001.
gnomAD v4.1: 1 of 1,612,084 alleles (0.000062%); highest among the groups gnomAD compares: Non-Finnish European, 0.000085%; no homozygotes.

Submissions (2):

Women's Health and Genetics/Laboratory Corporation of America, LabCorp
Classification: Uncertain significance. Last evaluated: 2025-10-28. Review status: criteria provided, single submitter. Criteria: LabCorp Variant Classification Summary - May 2015. Collection method: clinical testing. Allele origin: germline.
Comment: Variant summary: SLC26A4 c.328G>A (p.Ala110Thr) results in a non-conservative amino acid change in the encoded protein sequence. Algorithms developed to predict the effect of missense changes on protein structure and function are either unavailable or do not agree on the potential impact of this missense change. The variant was absent in 251414 control chromosomes. The available data on variant occurrences in the general population are insufficient to allow any conclusion about variant significance. c.328G>A has been observed in individual(s) affected with hypothyroidism/Gitelman-like syndrome (example: deFilippis_2017, Trepiccione_2021). These report(s) do not provide unequivocal conclusions about association of the variant with Pendred Syndrome. To our knowledge, no experimental evidence demonstrating an impact on protein function has been reported. The following publications have been ascertained in the context of this evaluation (PMID: 34556302, 28444304). ClinVar contains an entry for this variant (Variation ID: 557456). Based on the evidence outlined above, the variant was classified as uncertain significance.

Counsyl
Classification: Uncertain significance for Pendred syndrome. Last evaluated: 2018-03-26. Review status: no assertion criteria provided. Collection method: clinical testing. Allele origin: unknown. Not counted in ClinVar's aggregate classification.

Literature cited by the submitters: PubMed 28444304 (cited by Women's Health and Genetics/Laboratory Corporation of America, LabCorp and Counsyl); PubMed 34556302 (cited by Women's Health and Genetics/Laboratory Corporation of America, LabCorp).

NM_000441.2(SLC26A4):c.328G>A (p.Ala110Thr)

Gene: SLC26A4 (solute carrier family 26 member 4; plus strand). Cytogenetic location: 7q22.3.
Variant type: single nucleotide variant.
Coding change: c.328G>A on transcript NM_000441.2 (MANE Select); coding-DNA position 328, G replaced by A.
Protein change: p.Ala110Thr; replaces alanine 110 with threonine.
Molecular consequence: missense variant.
Genome position (GRCh38, 1-based): chr7:107,672,161, G>A. VCF-style: chr7-107672161-G-A. GRCh37 (hg19) VCF-style: chr7-107312606-G-A.
Other names: short protein forms A110T.
Identifiers: ClinVar variation 557456 (VCV000557456.3), dbSNP rs532132864, ClinGen allele CA164214853.
Genomic context (GRCh38, chr7:107,672,161, plus strand): 5'-TGGTTTGTGAATGTAATCACTTTGCATGTGCTTTCAGGGATGGCATATGCCCTACTAGCT[G>A]CAGTTCCTGTCGGATATGGTCTCTACTCTGCTTTTTTCCCTATCCTGACATACTTTATCT-3'
Protein context (NP_000432.1, residues 100-120): LQGMAYALLA[Ala110Thr]VPVGYGLYSA